The following is an entry in ClinVar:

NM_020975.6(RET):c.3281G>A (p.Ser1094Asn)

Gene: RET (ret proto-oncogene; plus strand). Cytogenetic location: 10q11.21.
Variant type: single nucleotide variant.
Coding change: c.3281G>A on transcript NM_020975.6 (MANE Select); coding-DNA position 3281, G replaced by A.
Protein change: p.Ser1094Asn; replaces serine 1094 with asparagine.
Molecular consequence: missense variant.
Genome position (GRCh38, 1-based): chr10:43,128,205, G>A. VCF-style: chr10-43128205-G-A. GRCh37 (hg19) VCF-style: chr10-43623653-G-A.
Other names: c.3281G>A (LRG_518t1); short protein forms S1094N.
Identifiers: ClinVar variation 543722 (VCV000543722.13), dbSNP rs1198591686, ClinGen allele CA376559124.
Genomic context (GRCh38, chr10:43,128,205, plus strand): 5'-CTGTACCACTCACGAGAGCTGATGGCACTAACACTGGGTTTCCAAGATATCCAAATGATA[G>A]TGTATATGCTAACTGGATGCTTTCACCCTCAGCGGCAAAATTAATGGACACGTTTGATAG-3'
Protein context (NP_066124.1, residues 1084-1104): NTGFPRYPND[Ser1094Asn]VYANWMLSPS

ClinVar aggregate classification (germline): Uncertain significance. Review status: criteria provided, multiple submitters, no conflicts (2 of 4 stars). 4 submissions from 4 submitters: Uncertain significance (4). Last evaluated 2025-06-25.

Conditions:
Multiple endocrine neoplasia, type 2 (MEN2). Identifiers: Orphanet 653, MedGen C4048306, MONDO:0019003. Disease mechanism: gain of function.
Hereditary cancer-predisposing syndrome. Also called: Neoplastic Syndromes, Hereditary; Hereditary Cancer Syndrome; Hereditary neoplastic syndrome; Tumor predisposition. Identifiers: Orphanet 140162, MedGen C0027672, MeSH D009386, MONDO:0015356.

Allele frequency attached by ClinVar (database versions not stated): gnomAD 0.00001; TOPMed 0.00001.
gnomAD v4.1: 1 of 1,614,108 alleles (0.000062%); highest among the groups gnomAD compares: Non-Finnish European, 0.000085%; no homozygotes.

Submissions (4):

Color Diagnostics, LLC DBA Color Health
Classification: Uncertain significance for Multiple endocrine neoplasia, type 2. Last evaluated: 2025-06-25. Review status: criteria provided, single submitter. Criteria: ACMG Guidelines, 2015. Collection method: clinical testing. Allele origin: germline.
Comment: This missense variant replaces serine with asparagine at codon 1094 of the RET protein. Computational prediction suggests that this variant may not impact protein structure and function. To our knowledge, functional studies have not been reported for this variant. This variant has not been reported in individuals affected with RET-related disorders in the literature. This variant has not been identified in the general population by the Genome Aggregation Database (gnomAD). The available evidence is insufficient to determine the role of this variant in disease conclusively. Therefore, this variant is classified as a Variant of Uncertain Significance.

Quest Diagnostics Nichols Institute San Juan Capistrano
Classification: Uncertain significance. Last evaluated: 2024-09-18. Review status: criteria provided, single submitter. Criteria: Quest Diagnostics criteria. Collection method: clinical testing. Allele origin: unknown.
Comment: The RET c.3281G>A (p.Ser1094Asn) variant has not been reported in individuals with RET-related conditions in the published literature. The frequency of this variant in the general population, 0.0000066 (1/152236 chromosomes (Genome Aggregation Database)), is uninformative in the assessment of its pathogenicity. Analysis of this variant using bioinformatics tools for the prediction of the effect of amino acid changes on protein structure and function yielded conflicting predictions that this variant is benign or damaging. Based on the available information, we are unable to determine the clinical significance of this variant.

Labcorp Genetics (formerly Invitae), Labcorp
Classification: Uncertain significance for Multiple endocrine neoplasia, type 2. Last evaluated: 2024-04-16. Review status: criteria provided, single submitter. Criteria: Invitae Variant Classification Sherloc (09022015). Collection method: clinical testing. Allele origin: germline.
Comment: This sequence change replaces serine, which is neutral and polar, with asparagine, which is neutral and polar, at codon 1094 of the RET protein (p.Ser1094Asn). This variant is not present in population databases (gnomAD no frequency). This variant has not been reported in the literature in individuals affected with RET-related conditions. ClinVar contains an entry for this variant (Variation ID: 543722). An algorithm developed to predict the effect of missense changes on protein structure and function (PolyPhen-2) suggests that this variant is likely to be disruptive. In summary, the available evidence is currently insufficient to determine the role of this variant in disease. Therefore, it has been classified as a Variant of Uncertain Significance.

Ambry Genetics
Classification: Uncertain significance for Hereditary cancer-predisposing syndrome. Last evaluated: 2023-12-07. Review status: criteria provided, single submitter. Criteria: Ambry Variant Classification Scheme 2023. Collection method: clinical testing. Allele origin: germline.
Comment: The p.S1094N variant (also known as c.3281G>A), located in coding exon 20 of the RET gene, results from a G to A substitution at nucleotide position 3281. The serine at codon 1094 is replaced by asparagine, an amino acid with highly similar properties. This amino acid position is highly conserved in available vertebrate species. In addition, the in silico prediction for this alteration is inconclusive. Since supporting evidence is limited at this time, the clinical significance of this alteration remains unclear.